The following is an entry in ClinVar:

NM_000214.3(JAG1):c.305T>A (p.Ile102Asn)

Gene: JAG1 (jagged canonical Notch ligand 1; minus strand). Cytogenetic location: 20p12.2.
Variant type: single nucleotide variant.
Coding change: c.305T>A on transcript NM_000214.3 (MANE Select); coding-DNA position 305, T replaced by A.
Protein change: p.Ile102Asn; replaces isoleucine 102 with asparagine.
Molecular consequence: missense variant.
Genome position (GRCh38, 1-based): chr20:10,672,783, A>T on the plus strand (T>A on the coding strand, the complement: JAG1 is on the minus strand). VCF-style: chr20-10672783-A-T. GRCh37 (hg19) VCF-style: chr20-10653431-A-T.
Other names: short protein forms I102N.
Identifiers: ClinVar variation 3573443 (VCV003573443.2).

Conditions:
Arteriohepatic dysplasia. Also called: Alagille Syndrome. Identifiers: Orphanet 52, MedGen C0085280, MeSH D016738, MONDO:0007318.

gnomAD v4.1: 1 of 1,613,076 alleles (0.000062%); highest among the groups gnomAD compares: Non-Finnish European, 0.000085%; no homozygotes.

Submission:

Gilbert/Spinner Lab, Children's Hospital of Philadelphia
No classification provided (evidence only). Condition: Alagille syndrome. Review status: no classification provided. Collection method: research. Allele origin: not applicable. Functional consequence: functionally_abnormal.
ClinVar note: "not provided" was previously submitted as the classification for the variant. However, the classification appeared to be based only on an observation of functional data so it was converted to no classification on 2025-07-30.